The following is an entry in ClinVar:

ClinVar aggregate classification (germline): Uncertain significance. Review status: criteria provided, multiple submitters, no conflicts (2 of 4 stars). 3 submissions from 3 submitters: Uncertain significance (3). Last evaluated 2025-05-15.

Conditions:
Tuberous sclerosis 2 (TSC2). Identifiers: Orphanet 805, MedGen C1860707, MONDO:0013199, OMIM 613254.
Hereditary cancer-predisposing syndrome. Also called: Hereditary neoplastic syndrome; Neoplastic Syndromes, Hereditary; Tumor predisposition; Hereditary Cancer Syndrome. Identifiers: Orphanet 140162, MedGen C0027672, MeSH D009386, MONDO:0015356.
Isolated focal cortical dysplasia type II (FCORD2). Also called: CORTICAL DYSPLASIA OF TAYLOR; Focal cortical dysplasia type II. Identifiers: Orphanet 268994, MedGen C1846385, MONDO:0011818, OMIM 607341, HP:0032051.
Lymphangiomyomatosis (LAM). Also called: Lymphangioleiomyomatosis; Lymphangioleiomyomatosis, somatic. Identifiers: Orphanet 538, MedGen C0751674, MONDO:0011705, OMIM 606690.

Submissions (3):

Labcorp Genetics (formerly Invitae), Labcorp
Classification: Uncertain significance for Tuberous sclerosis 2. Last evaluated: 2025-05-15. Review status: criteria provided, single submitter. Criteria: Invitae Variant Classification Sherloc (09022015). Collection method: clinical testing. Allele origin: germline.
Comment: This sequence change replaces proline, which is neutral and non-polar, with serine, which is neutral and polar, at codon 854 of the TSC2 protein (p.Pro854Ser). This variant is not present in population databases (gnomAD no frequency). This variant has not been reported in the literature in individuals affected with TSC2-related conditions. ClinVar contains an entry for this variant (Variation ID: 467950). Invitae Evidence Modeling of protein sequence and biophysical properties (such as structural, functional, and spatial information, amino acid conservation, physicochemical variation, residue mobility, and thermodynamic stability) indicates that this missense variant is not expected to disrupt TSC2 protein function with a negative predictive value of 95%. In summary, the available evidence is currently insufficient to determine the role of this variant in disease. Therefore, it has been classified as a Variant of Uncertain Significance.

Fulgent Genetics
Classification: Uncertain significance for Lymphangiomyomatosis; Isolated focal cortical dysplasia type II; Tuberous sclerosis 2. Last evaluated: 2024-02-28. Review status: criteria provided, single submitter. Criteria: ACMG Guidelines, 2015. Collection method: clinical testing. Allele origin: germline.

Ambry Genetics
Classification: Uncertain significance for Hereditary cancer-predisposing syndrome. Last evaluated: 2023-12-14. Review status: criteria provided, single submitter. Criteria: Ambry Variant Classification Scheme 2023. Collection method: clinical testing. Allele origin: germline.
Comment: The p.P854S variant (also known as c.2560C>T), located in coding exon 22 of the TSC2 gene, results from a C to T substitution at nucleotide position 2560. The proline at codon 854 is replaced by serine, an amino acid with similar properties. This amino acid position is highly conserved in available vertebrate species. In addition, this alteration is predicted to be deleterious by in silico analysis. Since supporting evidence is limited at this time, the clinical significance of this alteration remains unclear.

NM_000548.5(TSC2):c.2560C>T (p.Pro854Ser)

Gene: TSC2 (TSC complex subunit 2; plus strand). Cytogenetic location: 16p13.3.
Variant type: single nucleotide variant.
Coding change: c.2560C>T on transcript NM_000548.5 (MANE Select); coding-DNA position 2560, C replaced by T.
Protein change: p.Pro854Ser; replaces proline 854 with serine.
Molecular consequence: missense variant.
Genome position (GRCh38, 1-based): chr16:2,075,813, C>T. VCF-style: chr16-2075813-C-T. GRCh37 (hg19) VCF-style: chr16-2125814-C-T.
Other names: c.2560C>T, p.Pro854Ser (NM_001077183.3, NM_001114382.3, NM_001363528.2 and 3 more transcripts); c.2449C>T, p.Pro817Ser (NM_001318827.2); c.2413C>T, p.Pro805Ser (NM_001318829.2); c.1960C>T, p.Pro654Ser (NM_001318831.2); c.2593C>T, p.Pro865Ser (NM_001318832.2); short protein forms P854S, P805S, P817S, P865S, P654S.
Identifiers: ClinVar variation 467950 (VCV000467950.10), dbSNP rs1060500959, ClinGen allele CA394278309.
Genomic context (GRCh38, chr16:2,075,813, plus strand): 5'-CTGCACGGGACCCCGGCTCCCCTGACCACCCTCTCCATTACCGCAGCTCTGGCCAGGCTG[C>T]CGCACCTCTACAGGAACTTTGCCGCGGAGCAGTATGCCAGTGTGTTCGCCATCTCCCTGC-3'
Protein context (NP_000539.2, residues 844-864): LEFLSTLARL[Pro854Ser]HLYRNFAAEQ